The following is an entry in ClinVar:

NM_001011.4(RPS7):c.*31C>T

Gene: RPS7 (ribosomal protein S7; plus strand). Cytogenetic location: 2p25.3.
Variant type: single nucleotide variant.
Coding change: c.*31C>T on transcript NM_001011.4 (MANE Select); 31 bases downstream of the stop codon, C replaced by T.
Molecular consequence: 3 prime UTR variant.
Genome position (GRCh38, 1-based): chr2:3,580,913, C>T. VCF-style: chr2-3580913-C-T. GRCh37 (hg19) VCF-style: chr2-3628503-C-T.
Other names: c.*31C>T (LRG_1148t1).
Identifiers: ClinVar variation 335906 (VCV000335906.5), dbSNP rs191506876, ClinGen allele CA1516729.

ClinVar aggregate classification (germline): Benign (1 of 4 stars; one submission).

Conditions:
Diamond-Blackfan anemia 8 (DBA8). Also called: RPS7-Related Diamond-Blackfan Anemia. Identifiers: Orphanet 124, MedGen C2675511, MONDO:0012939, OMIM 612563.

Allele frequency attached by ClinVar (database versions not stated): gnomAD 0.00014 and 0.00021; gnomAD exomes 0.00021 and 0.00060; TOPMed 0.00029; ExAC 0.00056; 1000 Genomes Project 0.00160; 1000 Genomes Project 30x 0.00172.
gnomAD v4.1: 252 of 1,236,742 alleles (0.02%); highest among the groups gnomAD compares: East Asian, 0.46%; 2 homozygotes.

Submission:

Illumina Laboratory Services, Illumina
Classification: Benign for Diamond-Blackfan anemia 8. Last evaluated: 2018-01-13. Review status: criteria provided, single submitter. Criteria: ICSL Variant Classification Criteria 13 December 2019. Collection method: clinical testing. Allele origin: germline.
Comment: This variant was observed in the ICSL laboratory as part of a predisposition screen in an ostensibly healthy population. It had not been previously curated by ICSL or reported in the Human Gene Mutation Database (HGMD: prior to June 1st, 2018), and was therefore a candidate for classification through an automated scoring system. Utilizing variant allele frequency, disease prevalence and penetrance estimates, and inheritance mode, an automated score was calculated to assess if this variant is too frequent to cause the disease. Based on the score and internal cut-off values, a variant classified as benign is not then subjected to further curation. The score for this variant resulted in a classification of benign for this disease.